The following is an entry in ClinVar:

ClinVar aggregate classification (germline): Uncertain significance. Review status: criteria provided, multiple submitters, no conflicts (2 of 4 stars). 2 submissions from 2 submitters: Uncertain significance (2). Last evaluated 2024-05-06.

Conditions:
Autosomal dominant Alport syndrome (ATS3A). Also called: Alport syndrome dominant type; Renal failure and sensorineural hearing loss; ALPORT SYNDROME 3A, AUTOSOMAL DOMINANT. Identifiers: Orphanet 63, Orphanet 88918, MedGen C5882663, MONDO:0007086, OMIM 104200.
Hematuria, benign familial, 2 (BFH2). Identifiers: MedGen C5830421, MONDO:0958186, OMIM 620320.
Alport syndrome 3b, autosomal recessive. Identifiers: MedGen C5882699, MONDO:0957811, OMIM 620536.

gnomAD v4.1: 2 of 1,613,914 alleles (0.00012%); highest among the groups gnomAD compares: African/African-American, 0.0027%; no homozygotes.

Submissions (2):

Labcorp Genetics (formerly Invitae), Labcorp
Classification: Uncertain significance. Last evaluated: 2024-05-06. Review status: criteria provided, single submitter. Criteria: Invitae Variant Classification Sherloc (09022015). Collection method: clinical testing. Allele origin: germline.
Comment: This sequence change replaces glycine, which is neutral and non-polar, with valine, which is neutral and non-polar, at codon 446 of the COL4A3 protein (p.Gly446Val). This variant is present in population databases (no rsID available, gnomAD 0.007%). This variant has not been reported in the literature in individuals affected with COL4A3-related conditions. Advanced modeling of protein sequence and biophysical properties (such as structural, functional, and spatial information, amino acid conservation, physicochemical variation, residue mobility, and thermodynamic stability) has been performed at Invitae for this missense variant, however the output from this modeling did not meet the statistical confidence thresholds required to predict the impact of this variant on COL4A3 protein function. In summary, the available evidence is currently insufficient to determine the role of this variant in disease. Therefore, it has been classified as a Variant of Uncertain Significance.

Fulgent Genetics
Classification: Uncertain significance for Autosomal dominant Alport syndrome; Hematuria, benign familial, 2; Alport syndrome 3b, autosomal recessive. Last evaluated: 2024-03-28. Review status: criteria provided, single submitter. Criteria: ACMG Guidelines, 2015. Collection method: clinical testing. Allele origin: germline.

NM_000091.5(COL4A3):c.1337G>T (p.Gly446Val)

Genes: COL4A3 (collagen type IV alpha 3 chain; plus strand), MFF-DT (MFF divergent transcript; minus strand). Cytogenetic location: 2q36.3.
Variant type: single nucleotide variant.
Coding change: c.1337G>T on transcript NM_000091.5 (MANE Select); coding-DNA position 1337, G replaced by T.
Protein change: p.Gly446Val; replaces glycine 446 with valine.
Molecular consequence: missense variant.
Genome position (GRCh38, 1-based): chr2:227,266,438, G>T. VCF-style: chr2-227266438-G-T. GRCh37 (hg19) VCF-style: chr2-228131154-G-T.
Other names: short protein forms G446V.
Identifiers: ClinVar variation 3586018 (VCV003586018.3).